The following is an entry in ClinVar:

NM_000143.4(FH):c.464A>T (p.Glu155Val)

Gene: FH (fumarate hydratase; minus strand). Cytogenetic location: 1q43.
Variant type: single nucleotide variant.
Coding change: c.464A>T on transcript NM_000143.4 (MANE Select); coding-DNA position 464, A replaced by T.
Protein change: p.Glu155Val; replaces glutamic acid 155 with valine.
Molecular consequence: missense variant.
Genome position (GRCh38, 1-based): chr1:241,512,058, T>A on the plus strand (A>T on the coding strand, the complement: FH is on the minus strand). VCF-style: chr1-241512058-T-A. GRCh37 (hg19) VCF-style: chr1-241675358-T-A.
Other names: short protein forms E155V.
Identifiers: ClinVar variation 2092996 (VCV002092996.4), dbSNP rs1553341607, ClinGen allele CA321960.

ClinVar aggregate classification (germline): Likely pathogenic (1 of 4 stars; one submission).

Submission:

Labcorp Genetics (formerly Invitae), Labcorp
Classification: Likely pathogenic. Last evaluated: 2024-09-23. Review status: criteria provided, single submitter. Criteria: Invitae Variant Classification Sherloc (09022015). Collection method: clinical testing. Allele origin: germline.
Comment: This sequence change replaces glutamic acid, which is acidic and polar, with valine, which is neutral and non-polar, at codon 155 of the FH protein (p.Glu155Val). This variant is not present in population databases (gnomAD no frequency). This missense change has been observed in individual(s) with clinical features of hereditary leiomyomatosis and renal cell cancer (internal data). ClinVar contains an entry for this variant (Variation ID: 2092996). Invitae Evidence Modeling of protein sequence and biophysical properties (such as structural, functional, and spatial information, amino acid conservation, physicochemical variation, residue mobility, and thermodynamic stability) indicates that this missense variant is expected to disrupt FH protein function with a positive predictive value of 95%. In summary, the currently available evidence indicates that the variant is pathogenic, but additional data are needed to prove that conclusively. Therefore, this variant has been classified as Likely Pathogenic.